The following is an entry in ClinVar:

NM_012062.5(DNM1L):c.1074G>A (p.Ser358=)

Gene: DNM1L (dynamin 1L; plus strand). Cytogenetic location: 12p11.21.
Variant type: single nucleotide variant.
Coding change: c.1074G>A on transcript NM_012062.5 (MANE Select); coding-DNA position 1074, G replaced by A.
Protein change: p.Ser358=; no amino-acid change (serine 358 retained).
Molecular consequence: synonymous variant.
Genome position (GRCh38, 1-based): chr12:32,722,628, G>A. VCF-style: chr12-32722628-G-A. GRCh37 (hg19) VCF-style: chr12-32875562-G-A.
Other names: c.1074G>A, p.Ser358= (NM_001278463.2, NM_005690.5, NM_012063.4); c.1113G>A, p.Ser371= (NM_001278464.2, NM_001278465.2, NM_001330380.2); c.465G>A, p.Ser155= (NM_001278466.2).
Identifiers: ClinVar variation 2195100 (VCV002195100.5), dbSNP rs371660963, ClinGen allele CA6507451.

ClinVar aggregate classification (germline): Conflicting classifications of pathogenicity. Review status: criteria provided, conflicting classifications (1 of 4 stars). 2 submissions from 2 submitters: Uncertain significance (1); Likely benign (1). Last evaluated 2023-04-18.

Allele frequency attached by ClinVar (database versions not stated): gnomAD 0.00002; TOPMed 0.00002; ExAC 0.00003; gnomAD exomes 0.00003; ESP Exome Variant Server 0.00008.
gnomAD v4.1: 47 of 1,611,096 alleles (0.0029%); highest among the groups gnomAD compares: African/African-American, 0.004%; no homozygotes.

Submissions (2):

Blueprint Genetics
Classification: Likely benign. Last evaluated: 2023-04-18. Review status: criteria provided, single submitter. Criteria: ACMG Guidelines, 2015. Collection method: clinical testing. Allele origin: germline.

Labcorp Genetics (formerly Invitae), Labcorp
Classification: Uncertain significance. Last evaluated: 2023-04-07. Review status: criteria provided, single submitter. Criteria: Invitae Variant Classification Sherloc (09022015). Collection method: clinical testing. Allele origin: germline.
Comment: In summary, the available evidence is currently insufficient to determine the role of this variant in disease. Therefore, it has been classified as a Variant of Uncertain Significance. Algorithms developed to predict the effect of sequence changes on RNA splicing suggest that this variant may disrupt the consensus splice site. ClinVar contains an entry for this variant (Variation ID: 2195100). This variant has not been reported in the literature in individuals affected with DNM1L-related conditions. This variant is present in population databases (rs371660963, gnomAD 0.007%). This sequence change affects codon 358 of the DNM1L mRNA. It is a 'silent' change, meaning that it does not change the encoded amino acid sequence of the DNM1L protein.